The following is an entry in ClinVar:

ClinVar aggregate classification (germline): Uncertain significance (1 of 4 stars; one submission).

Conditions:
GNAS-related disorder. Identifiers: MedGen CN380105.

Submission:

PreventionGenetics, part of Exact Sciences
Classification: Uncertain significance for GNAS-related condition. Last evaluated: 2025-01-12. Review status: criteria provided, single submitter. Criteria: ACMG Guidelines, 2015. Collection method: clinical testing. Allele origin: germline.
Comment: The GNAS c.1456C>G variant is predicted to result in the amino acid substitution p.His486Asp. Of note, this variant is also referred to as c.-37006C>G with the more commonly reported isoform, NM_000516. To our knowledge, this variant has not been reported in the literature or in a large population database (gnomAD), indicating this variant is rare. At this time, the clinical significance of this variant is uncertain due to the absence of conclusive functional and genetic evidence.

NM_080425.4(GNAS):c.1456C>G (p.His486Asp)

Gene: GNAS (GNAS complex locus; plus strand). Cytogenetic location: 20q13.32.
Variant type: single nucleotide variant.
Coding change: c.1456C>G on transcript NM_080425.4 (MANE Plus Clinical); coding-DNA position 1456, C replaced by G.
Protein change: p.His486Asp; replaces histidine 486 with aspartic acid.
Molecular consequence: missense variant. On other transcripts: synonymous variant (2), intron variant (3).
Genome position (GRCh38, 1-based): chr20:58,854,721, C>G. VCF-style: chr20-58854721-C-G. GRCh37 (hg19) VCF-style: chr20-57429776-C-G.
Other names: c.1269C>G, p.Pro423= (NM_001077490.3, NM_001309883.1); c.1456C>G, p.His486Asp (NM_001410913.1); c.*42+13835C>G (NM_016592.5); c.43+13835C>G (NM_001410912.1); c.-39+12846C>G (NM_001309861.2); short protein forms H486D.
Identifiers: ClinVar variation 4981545 (VCV004981545.1).